The following is an entry in ClinVar:

ClinVar aggregate classification (germline): Likely benign. Review status: criteria provided, multiple submitters, no conflicts (2 of 4 stars). 2 submissions from 2 submitters: Likely benign (2). Last evaluated 2024-08-27.

Conditions:
Arrhythmogenic right ventricular dysplasia 11. Also called: Arrhythmogenic right ventricular dysplasia 11 with mild palmoplantar keratoderma and woolly hair; Arrhythmogenic Right Ventricular Dysplasia/Cardiomyopathy11; ARRHYTHMOGENIC RIGHT VENTRICULAR DYSPLASIA, FAMILIAL, 11. Identifiers: MedGen C1864850, MONDO:0012506, OMIM 610476.
Familial isolated arrhythmogenic right ventricular dysplasia. Identifiers: Orphanet 217656, MedGen C4274968, MONDO:0016342.

Allele frequency attached by ClinVar (database versions not stated): ExAC 0.00001; gnomAD exomes below 0.00001.
gnomAD v4.1: 1 of 1,614,008 alleles (0.000062%); highest among the groups gnomAD compares: Non-Finnish European, 0.000085%; no homozygotes.

Submissions (2):

Labcorp Genetics (formerly Invitae), Labcorp
Classification: Likely benign for Arrhythmogenic right ventricular dysplasia 11. Last evaluated: 2024-08-27. Review status: criteria provided, single submitter. Criteria: Invitae Variant Classification Sherloc (09022015). Collection method: clinical testing. Allele origin: germline.

All of Us Research Program, National Institutes of Health
Classification: Likely benign for Familial isolated arrhythmogenic right ventricular dysplasia. Last evaluated: 2023-03-07. Review status: criteria provided, single submitter. Criteria: ACMG Guidelines, 2015. Collection method: clinical testing. Allele origin: germline. Inheritance: Autosomal dominant inheritance. Observed: 1 variant allele, 1 heterozygote.
Comment: This study involves interpretation of variants in research participants for the purpose of population health screening. Participant phenotype was not available at the time of variant classification. Additional details can be found in publication PMID: 35346344, PMCID: PMC8962531

NM_024422.6(DSC2):c.555A>G (p.Leu185=)

Gene: DSC2 (desmocollin 2; minus strand). Cytogenetic location: 18q12.1.
Variant type: single nucleotide variant.
Coding change: c.555A>G on transcript NM_024422.6 (MANE Select); coding-DNA position 555, A replaced by G.
Protein change: p.Leu185=; no amino-acid change (leucine 185 retained).
Molecular consequence: synonymous variant.
Genome position (GRCh38, 1-based): chr18:31,089,514, T>C on the plus strand (A>G on the coding strand, the complement: DSC2 is on the minus strand). VCF-style: chr18-31089514-T-C. GRCh37 (hg19) VCF-style: chr18-28669477-T-C.
Other names: c.555A>G, p.Leu185= (NM_004949.5).
Identifiers: ClinVar variation 1547812 (VCV001547812.9), dbSNP rs768367488, ClinGen allele CA038808.